The following is an entry in ClinVar:

ClinVar aggregate classification (germline): Likely pathogenic (1 of 4 stars; one submission).

Conditions:
Atransferrinemia. Also called: Familial hypotransferrinemia. Identifiers: Orphanet 1195, MedGen C0521802, MONDO:0008846, OMIM 209300, HP:0012239.

Submission:

Myriad Genetics, Inc.
Classification: Likely pathogenic for Atransferrinemia. Last evaluated: 2025-08-06. Review status: criteria provided, single submitter. Criteria: Myriad Autosomal Dominant, Autosomal Recessive and X-Linked Classification Criteria (2023). Collection method: clinical testing. Allele origin: unknown.
Comment: NM_001063.3(TF):c.871-1G>C is a variant in a canonical splice site classified as likely pathogenic in the context of atransferrinemia. c.871-1G>C has not been observed in cases with relevant disease. Relevant functional assessments of this variant are not available in the literature. c.871-1G>C has not been observed in referenced population frequency databases. In summary, NM_001063.3(TF):c.871-1G>C is a variant in a canonical splice site in a gene where loss of function is a known mechanism of disease and is predicted to disrupt protein function. Please note: this variant was assessed in the context of healthy population screening.

NM_001063.4(TF):c.871-1G>C

Gene: TF (transferrin; plus strand). Cytogenetic location: 3q22.1.
Variant type: single nucleotide variant.
Coding change: c.871-1G>C on transcript NM_001063.4 (MANE Select); the canonical splice acceptor site of the intron before coding-DNA position 871, G replaced by C.
Molecular consequence: splice acceptor variant.
Genome position (GRCh38, 1-based): chr3:133,757,768, G>C. VCF-style: chr3-133757768-G-C. GRCh37 (hg19) VCF-style: chr3-133476612-G-C.
Other names: c.739-1G>C (NM_001354703.2); c.490-1G>C (NM_001354704.2).
Identifiers: ClinVar variation 5004106 (VCV005004106.1).